The following is an entry in ClinVar:

NM_005502.4(ABCA1):c.3081A>C (p.Lys1027Asn)

Gene: ABCA1 (ATP binding cassette subfamily A member 1; minus strand). Cytogenetic location: 9q31.1.
Variant type: single nucleotide variant.
Coding change: c.3081A>C on transcript NM_005502.4 (MANE Select); coding-DNA position 3081, A replaced by C.
Protein change: p.Lys1027Asn; replaces lysine 1027 with asparagine.
Molecular consequence: missense variant.
Genome position (GRCh38, 1-based): chr9:104,819,949, T>G on the plus strand (A>C on the coding strand, the complement: ABCA1 is on the minus strand). VCF-style: chr9-104819949-T-G. GRCh37 (hg19) VCF-style: chr9-107582230-T-G.
Other names: short protein forms K1027N.
Identifiers: ClinVar variation 1713451 (VCV001713451.5), dbSNP rs2538140336, ClinGen allele CA374319522.
Genomic context (GRCh38, chr9:104,819,949, plus strand): 5'-GAGGGGAGAGGGATAGGGAAGGTAGCTCTGGGCCGCACCTGACAGCTGGCTTGTTTTGCT[T>G]TTCAGCTTGCTTGATGGCAAACCAACATCCAGGGCCATCTGCTCCATCTCCGCCTTCACG-3'
Protein context (NP_005493.2, residues 1017-1037): LDVGLPSSKL[Lys1027Asn]SKTSQLSGGM

ClinVar aggregate classification (germline): Uncertain significance (1 of 4 stars; one submission).

Submission:

Labcorp Genetics (formerly Invitae), Labcorp
Classification: Uncertain significance. Last evaluated: 2022-07-23. Review status: criteria provided, single submitter. Criteria: Invitae Variant Classification Sherloc (09022015). Collection method: clinical testing. Allele origin: germline.
Comment: In summary, the available evidence is currently insufficient to determine the role of this variant in disease. Therefore, it has been classified as a Variant of Uncertain Significance. Advanced modeling of protein sequence and biophysical properties (such as structural, functional, and spatial information, amino acid conservation, physicochemical variation, residue mobility, and thermodynamic stability) performed at Invitae indicates that this missense variant is not expected to disrupt ABCA1 protein function. This variant has not been reported in the literature in individuals affected with ABCA1-related conditions. This variant is not present in population databases (gnomAD no frequency). This sequence change replaces lysine, which is basic and polar, with asparagine, which is neutral and polar, at codon 1027 of the ABCA1 protein (p.Lys1027Asn).